The following is an entry in ClinVar:

NM_003742.4(ABCB11):c.1350G>T (p.Met450Ile)

Gene: ABCB11 (ATP binding cassette subfamily B member 11; minus strand). Cytogenetic location: 2q31.1.
Variant type: single nucleotide variant.
Coding change: c.1350G>T on transcript NM_003742.4 (MANE Select); coding-DNA position 1350, G replaced by T.
Protein change: p.Met450Ile; replaces methionine 450 with isoleucine.
Molecular consequence: missense variant.
Genome position (GRCh38, 1-based): chr2:168,973,799, C>A on the plus strand (G>T on the coding strand, the complement: ABCB11 is on the minus strand). VCF-style: chr2-168973799-C-A. GRCh37 (hg19) VCF-style: chr2-169830309-C-A.
Other names: short protein forms M450I.
Identifiers: ClinVar variation 1314863 (VCV001314863.8), dbSNP rs542821407, ClinGen allele CA1951603.

ClinVar aggregate classification (germline): Conflicting classifications of pathogenicity. Review status: criteria provided, conflicting classifications (1 of 4 stars). 2 submissions from 2 submitters: Uncertain significance (1); Likely benign (1). Last evaluated 2023-11-14.

Allele frequency attached by ClinVar (database versions not stated): gnomAD 0.00001 and 0.00003; gnomAD exomes 0.00001; ExAC 0.00002; TOPMed 0.00003; 1000 Genomes Project 30x 0.00031; 1000 Genomes Project 0.00040.
gnomAD v4.1: 6 of 1,612,124 alleles (0.00037%); highest among the groups gnomAD compares: African/African-American, 0.0053%; no homozygotes.

Submissions (2):

Labcorp Genetics (formerly Invitae), Labcorp
Classification: Likely benign. Last evaluated: 2023-11-14. Review status: criteria provided, single submitter. Criteria: Invitae Variant Classification Sherloc (09022015). Collection method: clinical testing. Allele origin: germline.

GeneDx
Classification: Uncertain significance. Last evaluated: 2021-04-19. Review status: criteria provided, single submitter. Criteria: GeneDx Variant Classification Process June 2021. Collection method: clinical testing. Allele origin: germline. Affected: yes.
Comment: Has not been previously published as pathogenic or benign to our knowledge; In silico analysis supports that this missense variant does not alter protein structure/function